The following is an entry in ClinVar:

ClinVar aggregate classification (germline): Likely benign. Review status: criteria provided, multiple submitters, no conflicts (2 of 4 stars). 4 submissions from 4 submitters: Likely benign (4). Last evaluated 2026-01-26.

Conditions:
Cutis laxa, autosomal recessive, type 1B (ARCL1B). Also called: CUTIS LAXA, AUTOSOMAL RECESSIVE, TYPE IB; EFEMP2-Related Cutis Laxa. Identifiers: Orphanet 90349, MedGen C3280798, MONDO:0013754, OMIM 614437. Disease mechanism: loss of function.

Allele frequency attached by ClinVar (database versions not stated): gnomAD exomes 0.00005 and 0.00013; TOPMed 0.00005; ExAC 0.00006; gnomAD 0.00007; ESP Exome Variant Server 0.00008.
gnomAD v4.1: 197 of 1,613,620 alleles (0.012%); highest among the groups gnomAD compares: Non-Finnish European, 0.015%; 1 homozygote.

Submissions (4):

Labcorp Genetics (formerly Invitae), Labcorp
Classification: Likely benign for Cutis laxa, autosomal recessive, type 1B. Last evaluated: 2026-01-26. Review status: criteria provided, single submitter. Criteria: Invitae Variant Classification Sherloc (09022015). Collection method: clinical testing. Allele origin: germline.

Women's Health and Genetics/Laboratory Corporation of America, LabCorp
Classification: Likely benign. Last evaluated: 2025-11-17. Review status: criteria provided, single submitter. Criteria: LabCorp Variant Classification Summary - May 2015. Collection method: clinical testing. Allele origin: germline.

Blueprint Genetics
Classification: Likely benign. Last evaluated: 2024-09-06. Review status: criteria provided, single submitter. Criteria: ACMG Guidelines, 2015. Collection method: clinical testing. Allele origin: germline.

GeneDx
Classification: Likely benign. Last evaluated: 2018-01-10. Review status: criteria provided, single submitter. Criteria: GeneDx Variant Classification (06012015). Collection method: clinical testing. Allele origin: germline. Affected: yes.
Comment: This variant is considered likely benign or benign based on one or more of the following criteria: it is a conservative change, it occurs at a poorly conserved position in the protein, it is predicted to be benign by multiple in silico algorithms, and/or has population frequency not consistent with disease.

NM_016938.5(EFEMP2):c.727+11C>T

Gene: EFEMP2 (EGF-like fibulin extracellular matrix protein 2; minus strand). Cytogenetic location: 11q13.1.
Variant type: single nucleotide variant.
Coding change: c.727+11C>T on transcript NM_016938.5 (MANE Select); 11 bases into the intron after coding-DNA position 727, C replaced by T.
Molecular consequence: intron variant.
Genome position (GRCh38, 1-based): chr11:65,869,846, G>A on the plus strand (C>T on the coding strand, the complement: EFEMP2 is on the minus strand). VCF-style: chr11-65869846-G-A. GRCh37 (hg19) VCF-style: chr11-65637317-G-A.
Identifiers: ClinVar variation 514721 (VCV000514721.10), dbSNP rs369000940, ClinGen allele CA6110548.
Genomic context (GRCh38, chr11:65,869,846, plus strand): 5'-TGGCAGGAGGCACGGCATAGCTAGGGCCTGGGGGTCCACAGAGGAGTACACAGCAGGGAT[G>A]GAGCTCTCACCACTGCAGGAGAAGCCATCCCGATGCAGCTCATAGCCCTGGTGGCAGCGA-3'